The following is an entry in ClinVar:

ClinVar aggregate classification (germline): Pathogenic (1 of 4 stars; one submission).

Conditions:
Hereditary diffuse gastric adenocarcinoma (HDGC). Also called: DIFFUSE GASTRIC AND LOBULAR BREAST CANCER SYNDROME. Identifiers: Orphanet 26106, MedGen C1708349, MONDO:0007648, OMIM 137215.

Submission:

European Reference Network on Genetic Tumour Risk Syndromes (ERN-GENTURIS), i3s - Instituto de Investigação e Inovação em Saúde, University of Porto
Classification: Pathogenic for Hereditary diffuse gastric adenocarcinoma. Last evaluated: 2022-08-01. Review status: criteria provided, single submitter. Criteria: Lee et al. (Hum Mutat. 2018). Collection method: clinical testing. Allele origin: germline. Inheritance: Autosomal dominant inheritance. Affected: yes. Study: ERN GENTURIS.
Comment: PVS1; PS4_Supporting; PM2 (PMID: 30311375)

Literature cited by the submitters: PubMed 36436516; PubMed 28688938.

NM_004360.4:c.(1565+1_1566-1)_(2164+1_2165-1)del

Gene: CDH1 (cadherin 1; plus strand).
Variant type: Deletion.
Identifiers: ClinVar variation 2502966 (VCV002502966.1).